The following is an entry in ClinVar:

NM_001371623.1(TCOF1):c.2286_2287del (p.Ser764fs)

Gene: TCOF1 (treacle ribosome biogenesis factor 1; plus strand). Cytogenetic location: 5q32.
Variant type: Deletion.
Coding change: c.2286_2287del on transcript NM_001371623.1 (MANE Select); coding-DNA positions 2286 to 2287, 2 bases deleted (TG; older notation c.2286_2287delTG).
Protein change: p.Ser764fs; shifts the reading frame from serine 764.
Molecular consequence: frameshift variant.
Genome position (GRCh38, 1-based): chr5:150,376,566-150,376,567, TG deleted. VCF-style (leftmost placement, unchanged base first): chr5-150376565-CTG-C. GRCh37 (hg19) VCF-style: chr5-149756128-CTG-C.
Other names: c.2286_2287delTG (NM_001135243.1); c.2286_2287del (NM_001135243.1); c.2055_2056del, p.Ser687fs (NM_000356.4, NM_001135245.2); c.2286_2287del, p.Ser764fs (NM_001008657.3, NM_001135243.2, NM_001135244.2 and 1 more transcripts); short protein forms S764fs, S687fs.
Identifiers: ClinVar variation 280472 (VCV000280472.3), dbSNP rs886041672, ClinGen allele CA10602976.

ClinVar aggregate classification (germline): Pathogenic (1 of 4 stars; one submission).

Submission:

GeneDx
Classification: Pathogenic. Last evaluated: 2023-04-14. Review status: criteria provided, single submitter. Criteria: GeneDx Variant Classification Process June 2021. Collection method: clinical testing. Allele origin: germline. Affected: yes.
Comment: Frameshift variant predicted to result in protein truncation or nonsense mediated decay in a gene for which loss of function is a known mechanism of disease; Not observed at significant frequency in large population cohorts (gnomAD); Has not been previously published as pathogenic or benign to our knowledge